The following is an entry in ClinVar:

ClinVar aggregate classification (germline): Uncertain significance (0 of 4 stars; one submission).

Conditions:
TTC8-related disorder. Also called: TTC8-related condition.

Submission:

PreventionGenetics, part of Exact Sciences
Classification: Uncertain significance for TTC8-related condition. Last evaluated: 2024-07-29. Review status: no assertion criteria provided. Collection method: clinical testing. Allele origin: germline.
Comment: The TTC8 c.453C>G variant is predicted to result in the amino acid substitution p.Ile151Met. To our knowledge, this variant has not been reported in the literature or in a large population database, indicating this variant is rare. A different nucleotide substitution affecting the same amino acid (p.Ile151Asn) has been reported as a variant of uncertain significance in a cohort of individuals with obesity (Table S1, Roberts et al. 2022. PubMed ID: 35562395). At this time, the clinical significance of the c.453C>G (p.Ie151Met) variant is uncertain due to the absence of conclusive functional and genetic evidence.

NM_144596.4(TTC8):c.453C>G (p.Ile151Met)

Gene: TTC8 (tetratricopeptide repeat domain 8; plus strand). Cytogenetic location: 14q31.3.
Variant type: single nucleotide variant.
Coding change: c.453C>G on transcript NM_144596.4 (MANE Select); coding-DNA position 453, C replaced by G.
Protein change: p.Ile151Met; replaces isoleucine 151 with methionine.
Molecular consequence: missense variant. On other transcripts: 5 prime UTR variant (2), non-coding transcript variant (1).
Genome position (GRCh38, 1-based): chr14:88,841,160, C>G. VCF-style: chr14-88841160-C-G. GRCh37 (hg19) VCF-style: chr14-89307504-C-G.
Other names: c.423C>G, p.Ile141Met (NM_001288781.1, NM_001366535.2, NM_001366536.2 and 2 more transcripts); c.-140C>G (NM_001288782.1); c.-235C>G (NM_001288783.1); short protein forms I141M, I151M.
Identifiers: ClinVar variation 3356171 (VCV003356171.1).